The following is an entry in ClinVar:

NM_001267550.2(TTN):c.103439C>A (p.Thr34480Asn)

Genes: TTN (titin; minus strand), TTN-AS1 (TTN antisense RNA 1; plus strand). Cytogenetic location: 2q31.2.
Variant type: single nucleotide variant.
Coding change: c.103439C>A on transcript NM_001267550.2 (MANE Select); coding-DNA position 103439, C replaced by A.
Protein change: p.Thr34480Asn; replaces threonine 34480 with asparagine.
Molecular consequence: missense variant.
Genome position (GRCh38, 1-based): chr2:178,533,176, G>T on the plus strand (C>A on the coding strand, the complement: TTN is on the minus strand). VCF-style: chr2-178533176-G-T. GRCh37 (hg19) VCF-style: chr2-179397903-G-T.
Other names: c.98516C>A, p.Thr32839Asn (NM_001256850.1); c.76244C>A, p.Thr25415Asn (NM_003319.4); c.95735C>A, p.Thr31912Asn (NM_133378.4); c.76619C>A, p.Thr25540Asn (NM_133432.3); c.76820C>A, p.Thr25607Asn (NM_133437.4); short protein forms T25415N, T31912N, T32839N, T25540N, T25607N, T34480N.
Identifiers: ClinVar variation 2941132 (VCV002941132.3), dbSNP rs1287841473, ClinGen allele CA349414269.

ClinVar aggregate classification (germline): Uncertain significance (1 of 4 stars; one submission).

Conditions:
Dilated cardiomyopathy 1G (CMD1G). Identifiers: Orphanet 154, MedGen C1858763, MONDO:0011400, OMIM 604145.
Autosomal recessive limb-girdle muscular dystrophy type 2J (LGMDR10). Also called: Limb-girdle muscular dystrophy, type 2J; MUSCULAR DYSTROPHY, LIMB-GIRDLE, AUTOSOMAL RECESSIVE 10. Identifiers: Orphanet 140922, MedGen C1837342, MONDO:0012127, OMIM 608807.

Submission:

Labcorp Genetics (formerly Invitae), Labcorp
Classification: Uncertain significance for Dilated cardiomyopathy 1G; Autosomal recessive limb-girdle muscular dystrophy type 2J. Last evaluated: 2022-10-31. Review status: criteria provided, single submitter. Criteria: Invitae Variant Classification Sherloc (09022015). Collection method: clinical testing. Allele origin: germline.
Comment: This variant is located in the M band of TTN (PMID: 25589632). Variants in this region may be relevant for neuromuscular disorders, but have not been definitively shown to cause cardiomyopathy (PMID: 23975875). In summary, the available evidence is currently insufficient to determine the role of this variant in disease. Therefore, it has been classified as a Variant of Uncertain Significance. Experimental studies and prediction algorithms are not available or were not evaluated, and the functional significance of this variant is currently unknown. This variant has not been reported in the literature in individuals affected with TTN-related conditions. This variant is not present in population databases (gnomAD no frequency). This sequence change replaces threonine, which is neutral and polar, with asparagine, which is neutral and polar, at codon 34480 of the TTN protein (p.Thr34480Asn).

Literature cited by the submitters: PubMed 25589632; PubMed 23975875.